The following is an entry in ClinVar:

ClinVar aggregate classification (germline): Conflicting classifications of pathogenicity. Review status: criteria provided, conflicting classifications (1 of 4 stars). 4 submissions from 4 submitters: Uncertain significance (1); Likely benign (2). 1 of the submissions does not count toward it. Last evaluated 2024-11-22.

Conditions:
Donnai-Barrow syndrome. Also called: DBS/FOAR SYNDROME; FACIOOCULOACOUSTICORENAL SYNDROME. Identifiers: Orphanet 2143, MedGen C1857277, MONDO:0009104, OMIM 222448.

Allele frequency attached by ClinVar (database versions not stated): gnomAD 0.00003 and 0.00005; TOPMed 0.00003; ESP Exome Variant Server 0.00008; gnomAD exomes 0.00012 and 0.00021; ExAC 0.00026.
gnomAD v4.1: 195 of 1,614,088 alleles (0.012%); highest among the groups gnomAD compares: South Asian, 0.15%; 2 homozygotes.

Submissions (4):

Blueprint Genetics
Classification: Likely benign. Last evaluated: 2024-11-22. Review status: criteria provided, single submitter. Criteria: ACMG Guidelines, 2015. Collection method: clinical testing. Allele origin: germline.

Fulgent Genetics
Classification: Likely benign for Donnai-Barrow syndrome. Last evaluated: 2024-05-23. Review status: criteria provided, single submitter. Criteria: ACMG Guidelines, 2015. Collection method: clinical testing. Allele origin: germline.

Labcorp Genetics (formerly Invitae), Labcorp
Classification: Uncertain significance. Last evaluated: 2022-03-26. Review status: criteria provided, single submitter. Criteria: Invitae Variant Classification Sherloc (09022015). Collection method: clinical testing. Allele origin: germline.
Comment: This sequence change replaces arginine, which is basic and polar, with glycine, which is neutral and non-polar, at codon 1005 of the LRP2 protein (p.Arg1005Gly). This variant is present in population databases (rs368148692, gnomAD 0.1%). This variant has not been reported in the literature in individuals affected with LRP2-related conditions. ClinVar contains an entry for this variant (Variation ID: 1019130). Algorithms developed to predict the effect of missense changes on protein structure and function are either unavailable or do not agree on the potential impact of this missense change (SIFT: "Deleterious"; PolyPhen-2: "Benign"; Align-GVGD: "Class C0"). In summary, the available evidence is currently insufficient to determine the role of this variant in disease. Therefore, it has been classified as a Variant of Uncertain Significance.

Department of Pathology and Laboratory Medicine, Sinai Health System
Classification: Uncertain significance. Review status: no assertion criteria provided. Collection method: clinical testing. Allele origin: unknown. Affected: yes. Study: The Canadian Open Genetics Repository (COGR). Not counted in ClinVar's aggregate classification.
Comment: The LRP2 p.Arg1005Gly variant was not identified in the literature nor was it identified in ClinVar or Cosmic. The variant was identified in dbSNP (ID: rs368148692) and in LOVD 3.0. The variant was identified in control databases in 53 of 282862 chromosomes at a frequency of 0.000187 (Genome Aggregation Database Feb 27, 2017). The variant was observed in the following populations: South Asian in 41 of 30616 chromosomes (freq: 0.001339), Other in 4 of 7226 chromosomes (freq: 0.000554) and European (non-Finnish) in 8 of 129172 chromosomes (freq: 0.000062), while the variant was not observed in the African, Latino, Ashkenazi Jewish, East Asian, and European (Finnish) populations. The p.Arg1005 residue is not conserved in mammals and computational analyses (PolyPhen-2, SIFT, AlignGVGD, BLOSUM, MutationTaster) provide inconsistent predictions regarding the impact to the protein; this information is not very predictive of pathogenicity. The variant occurs outside of the splicing consensus sequence and in silico or computational prediction software programs (SpliceSiteFinder, MaxEntScan, NNSPLICE, GeneSplicer) do not predict a difference in splicing. In summary, based on the above information the clinical significance of this variant cannot be determined with certainty at this time. This variant is classified as a variant of uncertain significance.

NM_004525.3(LRP2):c.3013A>G (p.Arg1005Gly)

Gene: LRP2 (LDL receptor related protein 2; minus strand). Cytogenetic location: 2q31.1.
Variant type: single nucleotide variant.
Coding change: c.3013A>G on transcript NM_004525.3 (MANE Select); coding-DNA position 3013, A replaced by G.
Protein change: p.Arg1005Gly; replaces arginine 1005 with glycine.
Molecular consequence: missense variant.
Genome position (GRCh38, 1-based): chr2:169,246,882, T>C on the plus strand (A>G on the coding strand, the complement: LRP2 is on the minus strand). VCF-style: chr2-169246882-T-C. GRCh37 (hg19) VCF-style: chr2-170103392-T-C.
Other names: short protein forms R1005G.
Identifiers: ClinVar variation 1019130 (VCV001019130.8), dbSNP rs368148692, ClinGen allele CA1955143.
Genomic context (GRCh38, chr2:169,246,882, plus strand): 5'-GCTCTGTGGGTGGTTCATTGGTTGGGTCCCCCTCGCATGTCAAGTGATTGGAAGCCAGCC[T>C]CATTCCATAAGGGCACCCACACACTCGCTGGAAATTTGGCACCGGGAAGCAGAAGTGGCT-3'
Protein context (NP_004516.2, residues 995-1015): QRVCGCPYGM[Arg1005Gly]LASNHLTCEG